The following is an entry in ClinVar:

NC_000007.13:g.(?_94024344)_(94285410_?)del

Genes: CASD1 (CAS1 domain sialic acid O acetyltransferase 1; plus strand), COL1A2 (collagen type I alpha 2 chain; plus strand), SGCE (sarcoglycan epsilon; minus strand). Cytogenetic location: 7q21.3.
Variant type: Deletion.
Identifiers: ClinVar variation 3245692 (VCV003245692.1).

ClinVar aggregate classification (germline): Pathogenic (1 of 4 stars; one submission).

Conditions:
Ehlers-Danlos syndrome, classic type, 1 (EDSCL1). Also called: EHLERS-DANLOS SYNDROME, GRAVIS TYPE; EHLERS-DANLOS SYNDROME, SEVERE CLASSIC TYPE; Ehlers-Danlos syndrome, type 1; Ehlers-Danlos Syndrome, Classic Type, COL5A1-Related; EDS I. Identifiers: MedGen C0268335, MONDO:0019567, OMIM 130000.
Osteogenesis imperfecta type I (OI1). Also called: OI, TYPE I; OSTEOGENESIS IMPERFECTA TARDA; OSTEOGENESIS IMPERFECTA WITH BLUE SCLERAE; Osteogenesis imperfecta type 1; Lobstein's Disease; Lobstein disease. Identifiers: Orphanet 216796, Orphanet 666, MedGen C0023931, MONDO:0008146, OMIM 166200. Disease mechanism: loss of function.

Submission:

Labcorp Genetics (formerly Invitae), Labcorp
Classification: Pathogenic for Osteogenesis imperfecta type I; Ehlers-Danlos syndrome, classic type, 1. Last evaluated: 2022-11-29. Review status: criteria provided, single submitter. Criteria: Invitae Variant Classification Sherloc (09022015). Collection method: clinical testing. Allele origin: unknown.
Comment: For these reasons, this variant has been classified as Pathogenic. This variant has not been observed in the literature in individuals with autosomal recessive COL1A2-related conditions. This variant has been reported in individual(s) with osteogenesis imperfecta (Invitae); however, the role of the variant in this condition is currently unclear. A gross deletion of the genomic region encompassing the full coding sequence of the COL1A2 gene has been identified. Loss-of-function variants in COL1A2 are known to be pathogenic (PMID: 11288717, 15077201). The boundaries of this event are unknown as they extend beyond the assayed region for this gene and therefore may encompass additional genes.

Literature cited by the submitters: PubMed 11288717; PubMed 15077201.